The following is an entry in ClinVar:

NM_003172.4(SURF1):c.430C>T (p.Arg144Trp)

Gene: SURF1 (SURF1 cytochrome c oxidase assembly factor; minus strand). Cytogenetic location: 9q34.2.
Variant type: single nucleotide variant.
Coding change: c.430C>T on transcript NM_003172.4 (MANE Select); coding-DNA position 430, C replaced by T.
Protein change: p.Arg144Trp; replaces arginine 144 with tryptophan.
Molecular consequence: missense variant.
Genome position (GRCh38, 1-based): chr9:133,353,834, G>A on the plus strand (C>T on the coding strand, the complement: SURF1 is on the minus strand). VCF-style: chr9-133353834-G-A. GRCh37 (hg19) VCF-style: chr9-136220689-G-A.
Other names: c.103C>T, p.Arg35Trp (NM_001280787.1); short protein forms R35W, R144W.
Identifiers: ClinVar variation 2148717 (VCV002148717.1), dbSNP rs782184512, ClinGen allele CA200833031.

ClinVar aggregate classification (germline): Uncertain significance (1 of 4 stars; one submission).

Conditions:
Leigh syndrome (NULS). Also called: Leigh's necrotizing encephalopathy; Leigh's disease; Leigh Disease; Leigh Syndrome (mtDNA deletion); Leigh's syndrome; Subacute necrotizing encephalopathy. Identifiers: Orphanet 506, MedGen C2931891, MONDO:0009723, OMIM 256000.

Allele frequency attached by ClinVar (database versions not stated): gnomAD 0.00001; TOPMed 0.00001; gnomAD exomes 0.00002.
gnomAD v4.1: 27 of 1,613,700 alleles (0.0017%); highest among the groups gnomAD compares: South Asian, 0.018%; no homozygotes.

Submission:

Labcorp Genetics (formerly Invitae), Labcorp
Classification: Uncertain significance for Leigh syndrome. Last evaluated: 2022-05-08. Review status: criteria provided, single submitter. Criteria: Invitae Variant Classification Sherloc (09022015). Collection method: clinical testing. Allele origin: germline.
Comment: This sequence change replaces arginine, which is basic and polar, with tryptophan, which is neutral and slightly polar, at codon 144 of the SURF1 protein (p.Arg144Trp). This variant is present in population databases (rs782184512, gnomAD 0.02%). This variant has not been reported in the literature in individuals affected with SURF1-related conditions. Algorithms developed to predict the effect of missense changes on protein structure and function are either unavailable or do not agree on the potential impact of this missense change (SIFT: "Deleterious"; PolyPhen-2: "Probably Damaging"; Align-GVGD: "Class C0"). In summary, the available evidence is currently insufficient to determine the role of this variant in disease. Therefore, it has been classified as a Variant of Uncertain Significance.